The following is an entry in ClinVar:

ClinVar aggregate classification (germline): Pathogenic (1 of 4 stars; one submission).

Conditions:
Jeune thoracic dystrophy. Also called: Short-rib thoracic dysplasia; Jeune syndrome; Infantile thoracic dystrophy; Thoracic pelvic phalangeal dystrophy; Jeune's syndrome; Chondroectodermal dysplasia-like syndrome. Identifiers: Orphanet 474, MedGen C0265275, MONDO:0018770.

Submission:

Labcorp Genetics (formerly Invitae), Labcorp
Classification: Pathogenic for Jeune thoracic dystrophy. Last evaluated: 2024-01-04. Review status: criteria provided, single submitter. Criteria: Invitae Variant Classification Sherloc (09022015). Collection method: clinical testing. Allele origin: germline.
Comment: This sequence change creates a premature translational stop signal (p.Lys3894Valfs*3) in the DYNC2H1 gene. It is expected to result in an absent or disrupted protein product. Loss-of-function variants in DYNC2H1 are known to be pathogenic (PMID: 23339108, 32753734, 33755199). This variant is not present in population databases (gnomAD no frequency). This variant has not been reported in the literature in individuals affected with DYNC2H1-related conditions. For these reasons, this variant has been classified as Pathogenic.

Literature cited by the submitters: PubMed 23339108; PubMed 32753734; PubMed 33755199.

NM_001377.3(DYNC2H1):c.11659_11660del (p.Lys3887fs)

Gene: DYNC2H1 (dynein cytoplasmic 2 heavy chain 1; plus strand). Cytogenetic location: 11q22.3.
Variant type: Deletion.
Coding change: c.11659_11660del on transcript NM_001377.3 (MANE Select); coding-DNA positions 11659 to 11660, 2 bases deleted (AA; older notation c.11659_11660delAA).
Protein change: p.Lys3887fs; shifts the reading frame from lysine 3887.
Molecular consequence: frameshift variant.
Genome position (GRCh38, 1-based): chr11:103,316,554-103,316,555, AA deleted; deleting any 2 consecutive bases within chr11:103,316,553-103,316,555 gives the same sequence; the c. name uses the placement nearest the transcript's 3' end. VCF-style (leftmost placement, unchanged base first): chr11-103316552-CAA-C. GRCh37 (hg19) VCF-style: chr11-103187281-CAA-C.
Other names: c.11680_11681del, p.Lys3894fs (NM_001080463.2); short protein forms K3894fs, K3887fs.
Identifiers: ClinVar variation 2793650 (VCV002793650.3), dbSNP rs2496922131, ClinGen allele CA2739270795.
Genomic context (GRCh38, chr11:103,316,552, plus strand): 5'-TATATCTTTGACTACTGCTTAGTTGTTTACTTAAAAAAATTGTTTTTTGACAGGGTTGGA[CAA>C]AGTTTTATGAATTTTCTTTATCAGATCTTCGGGCTGGGTACAACATTATTGACAGACTTT-3'